The following is an entry in ClinVar:

NM_001040108.2(MLH3):c.2760T>C (p.Cys920=)

Gene: MLH3 (mutL homolog 3; minus strand). Cytogenetic location: 14q24.3.
Variant type: single nucleotide variant.
Coding change: c.2760T>C on transcript NM_001040108.2 (MANE Select); coding-DNA position 2760, T replaced by C.
Protein change: p.Cys920=; no amino-acid change (cysteine 920 retained).
Molecular consequence: synonymous variant.
Genome position (GRCh38, 1-based): chr14:75,046,896, A>G on the plus strand (T>C on the coding strand, the complement: MLH3 is on the minus strand). VCF-style: chr14-75046896-A-G. GRCh37 (hg19) VCF-style: chr14-75513599-A-G.
Other names: c.2760T>C, p.Cys920= (NM_014381.3).
Identifiers: ClinVar variation 544291 (VCV000544291.12), dbSNP rs1255590960, ClinGen allele CA487272983.

ClinVar aggregate classification (germline): Benign/Likely benign. Review status: criteria provided, multiple submitters, no conflicts (2 of 4 stars). 3 submissions from 3 submitters: Benign (1); Likely benign (2). Last evaluated 2026-05-05.

Conditions:
Colorectal cancer, hereditary nonpolyposis, type 7. Identifiers: Orphanet 144, MedGen C1858380, MONDO:0013725, OMIM 614385.

Allele frequency attached by ClinVar (database versions not stated): gnomAD exomes 0.00001; gnomAD 0.00001; TOPMed 0.00001.
gnomAD v4.1: 11 of 1,613,978 alleles (0.00068%); highest among the groups gnomAD compares: Non-Finnish European, 0.00093%; no homozygotes.

Submissions (3):

Myriad Genetics, Inc.
Classification: Benign for Colorectal cancer, hereditary nonpolyposis, type 7. Last evaluated: 2026-05-05. Review status: criteria provided, single submitter. Criteria: Myriad Autosomal Dominant, Autosomal Recessive and X-Linked Classification Criteria (2023). Collection method: clinical testing. Allele origin: unknown.
Comment: This variant is considered benign. This variant is a silent/synonymous amino acid change and it is not expected to impact splicing.

Labcorp Genetics (formerly Invitae), Labcorp
Classification: Likely benign for Colorectal cancer, hereditary nonpolyposis, type 7. Last evaluated: 2023-05-14. Review status: criteria provided, single submitter. Criteria: Invitae Variant Classification Sherloc (09022015). Collection method: clinical testing. Allele origin: germline.

Ambry Genetics
Classification: Likely benign. Last evaluated: 2022-07-08. Review status: criteria provided, single submitter. Criteria: Ambry Variant Classification Scheme 2023. Collection method: clinical testing. Allele origin: germline.